The following is an entry in ClinVar:

NM_032119.4(ADGRV1):c.283A>C (p.Thr95Pro)

Gene: ADGRV1 (adhesion G protein-coupled receptor V1; plus strand). Cytogenetic location: 5q14.3.
Variant type: single nucleotide variant.
Coding change: c.283A>C on transcript NM_032119.4 (MANE Select); coding-DNA position 283, A replaced by C.
Protein change: p.Thr95Pro; replaces threonine 95 with proline.
Molecular consequence: missense variant. On other transcripts: non-coding transcript variant (1).
Genome position (GRCh38, 1-based): chr5:90,617,879, A>C. VCF-style: chr5-90617879-A-C. GRCh37 (hg19) VCF-style: chr5-89913696-A-C.
Other names: short protein forms T95P.
Identifiers: ClinVar variation 1717570 (VCV001717570.3), dbSNP rs2531706900, ClinGen allele CA360385485.

ClinVar aggregate classification (germline): Uncertain significance (1 of 4 stars; one submission).

gnomAD v4.1: 4 of 1,598,898 alleles (0.00025%); highest among the groups gnomAD compares: Non-Finnish European, 0.00034%; no homozygotes.

Submission:

Labcorp Genetics (formerly Invitae), Labcorp
Classification: Uncertain significance. Last evaluated: 2022-08-22. Review status: criteria provided, single submitter. Criteria: Invitae Variant Classification Sherloc (09022015). Collection method: clinical testing. Allele origin: germline.
Comment: This sequence change replaces threonine, which is neutral and polar, with proline, which is neutral and non-polar, at codon 95 of the ADGRV1 protein (p.Thr95Pro). This variant is not present in population databases (gnomAD no frequency). This variant has not been reported in the literature in individuals affected with ADGRV1-related conditions. Algorithms developed to predict the effect of missense changes on protein structure and function are either unavailable or do not agree on the potential impact of this missense change (SIFT: "Deleterious"; PolyPhen-2: "Possibly Damaging"; Align-GVGD: "Class C0"). In summary, the available evidence is currently insufficient to determine the role of this variant in disease. Therefore, it has been classified as a Variant of Uncertain Significance.